The following is an entry in ClinVar:

ClinVar aggregate classification (germline): Uncertain significance (1 of 4 stars; one submission).

Conditions:
Bethlem myopathy 1A. Also called: Bethlem myopathy 1; MYOPATHY, BENIGN CONGENITAL, WITH CONTRACTURES; Bethlem Muscular Dystrophy. Identifiers: Orphanet 610, MedGen CN029274, MONDO:0024530, OMIM 158810.

Submission:

Labcorp Genetics (formerly Invitae), Labcorp
Classification: Uncertain significance for Bethlem myopathy 1A. Last evaluated: 2025-01-17. Review status: criteria provided, single submitter. Criteria: Invitae Variant Classification Sherloc (09022015). Collection method: clinical testing. Allele origin: germline.
Comment: This sequence change replaces leucine, which is neutral and non-polar, with proline, which is neutral and non-polar, at codon 336 of the COL6A2 protein (p.Leu336Pro). This variant is not present in population databases (gnomAD no frequency). This variant has not been reported in the literature in individuals affected with COL6A2-related conditions. Invitae Evidence Modeling of protein sequence and biophysical properties (such as structural, functional, and spatial information, amino acid conservation, physicochemical variation, residue mobility, and thermodynamic stability) indicates that this missense variant is not expected to disrupt COL6A2 protein function with a negative predictive value of 80%. In summary, the available evidence is currently insufficient to determine the role of this variant in disease. Therefore, it has been classified as a Variant of Uncertain Significance.

NM_001849.4(COL6A2):c.1007T>C (p.Leu336Pro)

Gene: COL6A2 (collagen type VI alpha 2 chain; plus strand). Cytogenetic location: 21q22.3.
Variant type: single nucleotide variant.
Coding change: c.1007T>C on transcript NM_001849.4 (MANE Select); coding-DNA position 1007, T replaced by C.
Protein change: p.Leu336Pro; replaces leucine 336 with proline.
Molecular consequence: missense variant.
Genome position (GRCh38, 1-based): chr21:46,117,407, T>C. VCF-style: chr21-46117407-T-C. GRCh37 (hg19) VCF-style: chr21-47537321-T-C.
Other names: c.1007T>C, p.Leu336Pro (NM_058174.3, NM_058175.3); short protein forms L336P.
Identifiers: ClinVar variation 3607370 (VCV003607370.2).